The following is an entry in ClinVar:

ClinVar aggregate classification (germline): Pathogenic. Review status: criteria provided, single submitter (1 of 4 stars). 3 submissions from 3 submitters: Pathogenic (1). 2 of the submissions do not count toward it. Last evaluated 2020-12-21.

Conditions:
Chondrodysplasia punctata 2 X-linked dominant (CDPX2). Also called: Hunermann-Conradi Syndrome; CONRADI-HUNERMANN-HAPPLE SYNDROME; HAPPLE SYNDROME; EBP-Related X-Linked Chondrodysplasia Punctata. Identifiers: Orphanet 35173, MedGen C0282102, MONDO:0020603, OMIM 302960.

Submissions (4):

GeneDx
Classification: Pathogenic. Last evaluated: 2020-12-21. Review status: criteria provided, single submitter. Criteria: GeneDx Variant Classification Process June 2021. Collection method: clinical testing. Allele origin: germline. Affected: yes.
Comment: Nonsense variant predicted to result in protein truncation or nonsense mediated decay in a gene for which loss-of-function is a known mechanism of disease; Not observed in large population cohorts (Lek et al., 2016); This variant is associated with the following publications: (PMID: 24036494, 10391218, 12509714, 10942423, 25525159, 22121851, 10391219)

Institute Of Reproduction And Development, Obstetrics and Gynecology Hospital, Fudan University
Classification: Pathogenic for Chondrodysplasia punctata 2 X-linked dominant. Last evaluated: 2021-08-10. Review status: no assertion criteria provided. Collection method: research. Allele origin: germline. Affected: yes. Not counted in ClinVar's aggregate classification.

OMIM
Classification: Pathogenic for CHONDRODYSPLASIA PUNCTATA 2, X-LINKED DOMINANT. Last evaluated: 1999-07-01. Review status: no assertion criteria provided. Collection method: literature only. Allele origin: germline. Not counted in ClinVar's aggregate classification.

Dr. Peter K. Rogan Lab, Western University
No classification provided (evidence only). Condition: Thyroid cancer, nonmedullary, 1. Review status: no classification provided. Collection method: in vitro. Allele origin: not applicable. Functional consequence: retained intron. Not counted in ClinVar's aggregate classification.

Literature cited by the submitters: PubMed 10391218 (cited by OMIM); PubMed 10391219 (cited by OMIM).

NM_006579.3(EBP):c.187C>T (p.Arg63Ter)

Gene: EBP (EBP cholestenol delta-isomerase; plus strand). Cytogenetic location: Xp11.23.
Variant type: single nucleotide variant.
Coding change: c.187C>T on transcript NM_006579.3 (MANE Select); coding-DNA position 187, C replaced by T.
Protein change: p.Arg63Ter; replaces arginine 63 with a stop codon.
Molecular consequence: nonsense.
Genome position (GRCh38, 1-based): chrX:48,523,958, C>T. VCF-style: chrX-48523958-C-T. GRCh37 (hg19) VCF-style: chrX-48382346-C-T.
Other names: NC_000023.10:g.48382346C>T; short protein forms R63*.
Identifiers: ClinVar variation 11484 (VCV000011484.7), dbSNP rs104894799, ClinGen allele CA255898.